The following is an entry in ClinVar:

ClinVar aggregate classification (germline): Uncertain significance (1 of 4 stars; one submission).

Conditions:
Aicardi-Goutieres syndrome 2. Identifiers: Orphanet 51, MedGen C3489724, MONDO:0012429, OMIM 610181.

Allele frequency attached by ClinVar (database versions not stated): gnomAD 0.00001; TOPMed 0.00003.
gnomAD v4.1: 33 of 1,561,766 alleles (0.0021%); highest among the groups gnomAD compares: Non-Finnish European, 0.0027%; no homozygotes.

Submission:

Labcorp Genetics (formerly Invitae), Labcorp
Classification: Uncertain significance for Aicardi-Goutieres syndrome 2. Last evaluated: 2022-06-02. Review status: criteria provided, single submitter. Criteria: Invitae Variant Classification Sherloc (09022015). Collection method: clinical testing. Allele origin: germline.
Comment: This sequence change falls in intron 2 of the RNASEH2B gene. It does not directly change the encoded amino acid sequence of the RNASEH2B protein. This variant is present in population databases (no rsID available, gnomAD 0.0009%). This variant has not been reported in the literature in individuals affected with RNASEH2B-related conditions. Algorithms developed to predict the effect of sequence changes on RNA splicing suggest that this variant may disrupt the consensus splice site. In summary, the available evidence is currently insufficient to determine the role of this variant in disease. Therefore, it has been classified as a Variant of Uncertain Significance.

NM_024570.4(RNASEH2B):c.137-13T>G

Gene: RNASEH2B (ribonuclease H2 subunit B; plus strand). Cytogenetic location: 13q14.3.
Variant type: single nucleotide variant.
Coding change: c.137-13T>G on transcript NM_024570.4 (MANE Select); 13 bases into the intron before coding-DNA position 137, T replaced by G.
Molecular consequence: intron variant.
Genome position (GRCh38, 1-based): chr13:50,929,462, T>G. VCF-style: chr13-50929462-T-G. GRCh37 (hg19) VCF-style: chr13-51503598-T-G.
Other names: c.137-13T>G (NM_001142279.2).
Identifiers: ClinVar variation 2420282 (VCV002420282.3), dbSNP rs1364550699, ClinGen allele CA609908872.